The following is an entry in ClinVar:

ClinVar aggregate classification (germline): Conflicting classifications of pathogenicity. Review status: criteria provided, conflicting classifications (1 of 4 stars). 5 submissions from 5 submitters: Uncertain significance (2); Likely benign (3). Last evaluated 2026-01-27.

Conditions:
Hypercholesterolemia, autosomal dominant, type B (FHCL2). Also called: Familial Hypercholesterolemia Type B; Hyperlipoproteinemia Type IIb; Familial hypercholesterolemia 2; APOB-Related Familial Hypercholesterolemia, Autosomal Dominant; HYPERCHOLESTEROLEMIA, FAMILIAL, DUE TO LIGAND-DEFECTIVE APOLIPOPROTEIN B; APOLIPOPROTEIN B-100, FAMILIAL DEFECTIVE. Identifiers: MedGen C1704417, MONDO:0007751, OMIM 144010.
Familial hypobetalipoproteinemia 1. Also called: Hypobetalipoproteinemia, normotriglyceridemic; Acanthocytosis with hypobetalipoproteinemia; APOB-Related Familial Hypobetalipoproteinemia. Identifiers: MedGen C4551990, MONDO:0014252, OMIM 615558.
Cardiovascular phenotype. Identifiers: MedGen CN230736.

Allele frequency attached by ClinVar (database versions not stated): ExAC 0.00008; gnomAD exomes 0.00009; gnomAD 0.00010; TOPMed 0.00016; 1000 Genomes Project 0.00040; 1000 Genomes Project 30x 0.00047.
gnomAD v4.1: 81 of 1,614,108 alleles (0.005%); highest among the groups gnomAD compares: Admixed American, 0.028%; no homozygotes.

Submissions (5):

Labcorp Genetics (formerly Invitae), Labcorp
Classification: Likely benign for Familial hypobetalipoproteinemia 1; Hypercholesterolemia, autosomal dominant, type B. Last evaluated: 2026-01-27. Review status: criteria provided, single submitter. Criteria: Invitae Variant Classification Sherloc (09022015). Collection method: clinical testing. Allele origin: germline.

Quest Diagnostics Nichols Institute San Juan Capistrano
Classification: Uncertain significance. Last evaluated: 2025-05-12. Review status: criteria provided, single submitter. Criteria: Quest Diagnostics criteria. Collection method: clinical testing. Allele origin: unknown.
Comment: The APOB c.434C>T (p.Pro145Leu) variant has been reported in the published literature in an individual with familial hypercholesteremia (PMID: 37217153 (2023)). The frequency of this variant in the general population (Genome Aggregation Database) is higher than would generally be expected for pathogenic variants in this gene. Analysis of this variant using bioinformatics tools for the prediction of the effect of amino acid changes on protein structure and function yielded predictions that this variant is damaging. Based on the available information, we are unable to determine the clinical significance of this variant.

Ambry Genetics
Classification: Likely benign for Cardiovascular phenotype. Last evaluated: 2025-03-28. Review status: criteria provided, single submitter. Criteria: Ambry Variant Classification Scheme 2023. Collection method: clinical testing. Allele origin: germline.

Blueprint Genetics
Classification: Likely benign. Last evaluated: 2024-09-12. Review status: criteria provided, single submitter. Criteria: ACMG Guidelines, 2015. Collection method: clinical testing. Allele origin: germline.

ARUP Laboratories, Molecular Genetics and Genomics, ARUP Laboratories
Classification: Uncertain significance. Last evaluated: 2023-04-28. Review status: criteria provided, single submitter. Criteria: ARUP Molecular Germline Variant Investigation Process 2024. Collection method: clinical testing. Allele origin: germline.
Comment: The APOB c.434C>T; p.Pro145Leu variant (rs181737266), to our knowledge, is not reported in the medical literature but is reported in ClinVar (Variation ID: 477808). This variant is found in the general population with an overall allele frequency of 0.0087% (22/251,492 alleles) in the Genome Aggregation Database. Computational analyses are uncertain whether this variant is neutral or deleterious (REVEL: 0.36). Due to limited information, the clinical significance of this variant is uncertain at this time.

Literature cited by the submitters: PubMed 37217153 (cited by Quest Diagnostics Nichols Institute San Juan Capistrano).

NM_000384.3(APOB):c.434C>T (p.Pro145Leu)

Gene: APOB (apolipoprotein B; minus strand). Cytogenetic location: 2p24.1.
Variant type: single nucleotide variant.
Coding change: c.434C>T on transcript NM_000384.3 (MANE Select); coding-DNA position 434, C replaced by T.
Protein change: p.Pro145Leu; replaces proline 145 with leucine.
Molecular consequence: missense variant.
Genome position (GRCh38, 1-based): chr2:21,038,061, G>A on the plus strand (C>T on the coding strand, the complement: APOB is on the minus strand). VCF-style: chr2-21038061-G-A. GRCh37 (hg19) VCF-style: chr2-21260933-G-A.
Other names: short protein forms P145L.
Identifiers: ClinVar variation 477808 (VCV000477808.22), dbSNP rs181737266, ClinGen allele CA060896.
Genomic context (GRCh38, chr2:21,038,061, plus strand): 5'-AGGAGGGCAGAAATGATGCCCCTCTTGATGTTCAGGATGTAAGTAGGTTCATCTTTCTCC[G>A]GGTAAAGGAAAACCTGCTTCCCTTCTGGAATGGCCAGCTTGAGCTCATACCTGTCCCAGA-3'
Protein context (NP_000375.3, residues 135-155): IPEGKQVFLY[Pro145Leu]EKDEPTYILN